The following is an entry in ClinVar:

ClinVar aggregate classification (germline): Conflicting classifications of pathogenicity. Review status: criteria provided, conflicting classifications (1 of 4 stars). 2 submissions from 2 submitters: Uncertain significance (1); Likely benign (1). Last evaluated 2024-03-11.

Conditions:
Inborn genetic diseases. Identifiers: MedGen C0950123, MeSH D030342.

Submissions (2):

Women's Health and Genetics/Laboratory Corporation of America, LabCorp
Classification: Uncertain significance. Last evaluated: 2024-03-11. Review status: criteria provided, single submitter. Criteria: LabCorp Variant Classification Summary - May 2015. Collection method: clinical testing. Allele origin: germline.
Comment: Variant summary: LAMC3 c.297G>C (p.Glu99Asp) results in a conservative amino acid change located in the Laminin, N-terminal domain (IPR008211) of the encoded protein sequence. Five of five in-silico tools predict a benign effect of the variant on protein function. The variant was absent in 156686 control chromosomes. The available data on variant occurrences in the general population are insufficient to allow any conclusion about variant significance. To our knowledge, no occurrence of c.297G>C in individuals affected with Occipital Pachygyria And Polymicrogyria and no experimental evidence demonstrating its impact on protein function have been reported. ClinVar contains an entry for this variant (Variation ID: 2534230). Based on the evidence outlined above, the variant was classified as uncertain significance.

Ambry Genetics
Classification: Likely benign for Inborn genetic diseases. Last evaluated: 2023-04-07. Review status: criteria provided, single submitter. Criteria: Ambry Variant Classification Scheme 2023. Collection method: clinical testing. Allele origin: germline.

NM_006059.4(LAMC3):c.297G>C (p.Glu99Asp)

Gene: LAMC3 (laminin subunit gamma 3; plus strand). Cytogenetic location: 9q34.12.
Variant type: single nucleotide variant.
Coding change: c.297G>C on transcript NM_006059.4 (MANE Select); coding-DNA position 297, G replaced by C.
Protein change: p.Glu99Asp; replaces glutamic acid 99 with aspartic acid.
Molecular consequence: missense variant.
Genome position (GRCh38, 1-based): chr9:131,009,511, G>C. VCF-style: chr9-131009511-G-C. GRCh37 (hg19) VCF-style: chr9-133884898-G-C.
Other names: short protein forms E99D.
Identifiers: ClinVar variation 2534230 (VCV002534230.4), dbSNP rs771657438, ClinGen allele CA375250806.